The following is an entry in ClinVar:

NM_001353788.2(APBA2):c.1206C>T (p.Ser402=)

Gene: APBA2 (amyloid beta precursor protein binding family A member 2; plus strand). Cytogenetic location: 15q13.1.
Variant type: single nucleotide variant.
Coding change: c.1206C>T on transcript NM_001353788.2 (MANE Select); coding-DNA position 1206, C replaced by T.
Protein change: p.Ser402=; no amino-acid change (serine 402 retained).
Molecular consequence: synonymous variant.
Genome position (GRCh38, 1-based): chr15:29,093,211, C>T. VCF-style: chr15-29093211-C-T. GRCh37 (hg19) VCF-style: chr15-29385414-C-T.
Other names: c.1206C>T, p.Ser402= (NM_001130414.1, NM_001353789.2, NM_001353790.2 and 7 more transcripts); c.318C>T, p.Ser106= (NM_001353796.2, NM_001353797.2).
Identifiers: ClinVar variation 3052642 (VCV003052642.2), dbSNP rs1213322606, ClinGen allele CA488968084.

ClinVar aggregate classification (germline): Likely benign (0 of 4 stars; one submission).

Conditions:
APBA2-related disorder. Also called: APBA2-related condition.

Allele frequency attached by ClinVar (database versions not stated): gnomAD exomes below 0.00001; TOPMed below 0.00001.
gnomAD v4.1: 1 of 1,614,212 alleles (0.000062%); highest among the groups gnomAD compares: Non-Finnish European, 0.000085%; no homozygotes.

Submission:

PreventionGenetics, part of Exact Sciences
Classification: Likely benign for APBA2-related condition. Last evaluated: 2019-08-13. Review status: no assertion criteria provided. Collection method: clinical testing. Allele origin: germline.
Comment: This variant is classified as likely benign based on ACMG/AMP sequence variant interpretation guidelines (Richards et al. 2015 PMID: 25741868, with internal and published modifications).